The following is an entry in ClinVar:

NM_000448.3(RAG1):c.2751G>A (p.Gln917=)

Gene: RAG1 (recombination activating 1; plus strand). Cytogenetic location: 11p12.
Variant type: single nucleotide variant.
Coding change: c.2751G>A on transcript NM_000448.3 (MANE Select); coding-DNA position 2751, G replaced by A.
Protein change: p.Gln917=; no amino-acid change (glutamine 917 retained).
Molecular consequence: synonymous variant.
Genome position (GRCh38, 1-based): chr11:36,576,055, G>A. VCF-style: chr11-36576055-G-A. GRCh37 (hg19) VCF-style: chr11-36597605-G-A.
Other names: NM_000448.3(RAG1):c.2751G>A; p.Gln917=; c.2751G>A, p.Gln917= (NM_001377277.1, NM_001377278.1, NM_001377279.1 and 1 more transcripts).
Identifiers: ClinVar variation 304506 (VCV000304506.45), dbSNP rs150721661, ClinGen allele CA5950313.

ClinVar aggregate classification (germline): Likely benign. Review status: reviewed by expert panel (3 of 4 stars). 11 submissions from 10 submitters: Likely benign (1). 10 of the submissions do not count toward it. Last evaluated 2023-11-14.

Conditions:
Severe combined immunodeficiency, autosomal recessive, T cell-negative, B cell-negative, NK cell-positive. Also called: Severe combined immunodeficiency due to complete RAG1/2 deficiency; SCID, T CELL-NEGATIVE, B CELL-NEGATIVE, NK CELL-POSITIVE; SCID, AR, T-cell negative, B-cell negative, NK cell-positive. Identifiers: Orphanet 331206, MedGen C1832322, MONDO:0011086, OMIM 601457.
Histiocytic medullary reticulosis. Also called: SEVERE COMBINED IMMUNODEFICIENCY WITH HYPEREOSINOPHILIA; Omenn syndrome. Identifiers: Orphanet 39041, MedGen C2700553, MONDO:0011338, OMIM 603554.
Combined immunodeficiency with skin granulomas. Identifiers: Orphanet 157949, MedGen C2673536, MONDO:0009306, OMIM 233650.
Recombinase activating gene 1 deficiency. Identifiers: MedGen CN375631, MONDO:0000572.

Allele frequency attached by ClinVar (database versions not stated): gnomAD exomes 0.00052 and 0.00093; ExAC 0.00116; gnomAD 0.00313 and 0.00334; 1000 Genomes Project 0.00339; ESP Exome Variant Server 0.00346; TOPMed 0.00352; 1000 Genomes Project 30x 0.00359.
gnomAD v4.1: 1,290 of 1,614,094 alleles (0.08%); highest among the groups gnomAD compares: African/African-American, 1%; 4 homozygotes.

Submissions (11):

ClinGen Severe Combined Immunodeficiency Variant Curation Expert Panel, ClinGen
Classification: Likely benign for Recombinase activating gene 1 deficiency. Last evaluated: 2023-11-14. Review status: reviewed by expert panel. Criteria: ClinGen SCID ACMG Specifications RAG1 V1.0.0. Collection method: curation. Allele origin: germline.
Comment: The c.2751G>A (p.Gln917=) variant (NM_000448.3) is a synonymous (silent) variant that is not predicted by SpliceAI and varSEAK to impact splicing (BP7). The highest population minor allele frequency in gnomAD v2.1.1 is 0.007464 (220/24818 alleles) in African/African American population, which is higher than the ClinGen SCID VCEP threshold (>0.00195) for BS1, and therefore meets this criterion (BS1). No homozygous has been reported. (BS2 not met). In summary, this variant is classified as a Likely Benign for autosomal recessive SCID based on ACMG/AMP criteria applied, as specified by the ClinGen SCID VCEP (specification version 1.0): BS1 and BP7.

CeGaT Center for Human Genetics Tuebingen
Classification: Likely benign. Last evaluated: 2026-09-01. Review status: criteria provided, single submitter. Criteria: CeGaT Center For Human Genetics Tuebingen Variant Classification Criteria Version 2. Collection method: clinical testing. Allele origin: germline. Affected: yes. Observed: 4 variant alleles. Not counted in ClinVar's aggregate classification.
Comment: RAG1: BP4, BS1

Labcorp Genetics (formerly Invitae), Labcorp
Classification: Benign for Combined immunodeficiency with skin granulomas; Severe combined immunodeficiency, autosomal recessive, T cell-negative, B cell-negative, NK cell-positive. Last evaluated: 2026-02-04. Review status: criteria provided, single submitter. Criteria: Invitae Variant Classification Sherloc (09022015). Collection method: clinical testing. Allele origin: germline. Not counted in ClinVar's aggregate classification.

Women's Health and Genetics/Laboratory Corporation of America, LabCorp
Classification: Likely benign. Last evaluated: 2024-12-06. Review status: criteria provided, single submitter. Criteria: LabCorp Variant Classification Summary - May 2015. Collection method: clinical testing. Allele origin: germline. Not counted in ClinVar's aggregate classification.

Blueprint Genetics
Classification: Likely benign. Last evaluated: 2024-11-21. Review status: criteria provided, single submitter. Criteria: ACMG Guidelines, 2015. Collection method: clinical testing. Allele origin: germline. Not counted in ClinVar's aggregate classification.

GeneDx
Classification: Likely benign. Last evaluated: 2018-08-24. Review status: criteria provided, single submitter. Criteria: GeneDx Variant Classification Process June 2021. Collection method: clinical testing. Allele origin: germline. Affected: yes. Not counted in ClinVar's aggregate classification.

Illumina Laboratory Services, Illumina
Classification: Likely benign for Severe combined immunodeficiency, autosomal recessive, T cell-negative, B cell-negative, NK cell-positive. Last evaluated: 2018-01-13. Review status: criteria provided, single submitter. Criteria: ICSL Variant Classification Criteria 13 December 2019. Collection method: clinical testing. Allele origin: germline. Not counted in ClinVar's aggregate classification.
Comment: This variant was observed in the ICSL laboratory as part of a predisposition screen in an ostensibly healthy population. It had not been previously curated by ICSL or reported in the Human Gene Mutation Database (HGMD: prior to June 1st, 2018), and was therefore a candidate for classification through an automated scoring system. Utilizing variant allele frequency, disease prevalence and penetrance estimates, and inheritance mode, an automated score was calculated to assess if this variant is too frequent to cause the disease. Based on the score and internal cut-off values, a variant classified as likely benign is not then subjected to further curation. The score for this variant resulted in a classification of likely benign for this disease.

Illumina Laboratory Services, Illumina
Classification: Likely benign for Histiocytic medullary reticulosis. Last evaluated: 2018-01-13. Review status: criteria provided, single submitter. Criteria: ICSL Variant Classification Criteria 13 December 2019. Collection method: clinical testing. Allele origin: germline. Not counted in ClinVar's aggregate classification.
Comment: the same text as in the submission from Illumina Laboratory Services, Illumina above.

Breakthrough Genomics
Classification: Likely benign. Review status: criteria provided, single submitter. Criteria: ACMG Guidelines, 2015. Collection method: not provided. Allele origin: germline. Inheritance: Autosomal recessive inheritance. Affected: yes. Not counted in ClinVar's aggregate classification.

Clinical Genetics DNA and cytogenetics Diagnostics Lab, Erasmus MC, Erasmus Medical Center
Classification: Likely benign. Review status: no assertion criteria provided. Collection method: clinical testing. Allele origin: germline. Affected: yes. Study: VKGL Data-share Consensus. Not counted in ClinVar's aggregate classification.

Genome Diagnostics Laboratory, University Medical Center Utrecht
Classification: Likely benign. Review status: no assertion criteria provided. Collection method: clinical testing. Allele origin: germline. Affected: yes. Study: VKGL Data-share Consensus. Not counted in ClinVar's aggregate classification.